The following is an entry in ClinVar:

ClinVar aggregate classification (germline): Uncertain significance. Review status: criteria provided, multiple submitters, no conflicts (2 of 4 stars). 2 submissions from 2 submitters: Uncertain significance (2). Last evaluated 2022-12-16.

Conditions:
Inborn genetic diseases. Identifiers: MedGen C0950123, MeSH D030342.
Hearing impairment. Also called: Impaired Hearing. Identifiers: MedGen C1384666, MONDO:0005365, HP:0000365.

Submissions (2):

Ambry Genetics
Classification: Uncertain significance for Inborn genetic diseases. Last evaluated: 2022-12-16. Review status: criteria provided, single submitter. Criteria: Ambry Variant Classification Scheme 2023. Collection method: clinical testing. Allele origin: germline.

Department of Otolaryngology – Head & Neck Surgery, Cochlear Implant Center
Classification: Uncertain significance for Hearing impairment. Last evaluated: 2021-04-12. Review status: criteria provided, single submitter. Criteria: ClinGen HL ACMG Specifications v1. Collection method: clinical testing. Allele origin: germline. Affected: yes.
Comment: PM2_Moderate

NM_001145809.2(MYH14):c.4549G>A (p.Glu1517Lys)

Gene: MYH14 (myosin heavy chain 14; plus strand). Cytogenetic location: 19q13.33.
Variant type: single nucleotide variant.
Coding change: c.4549G>A on transcript NM_001145809.2 (MANE Select); coding-DNA position 4549, G replaced by A.
Protein change: p.Glu1517Lys; replaces glutamic acid 1517 with lysine.
Molecular consequence: missense variant.
Genome position (GRCh38, 1-based): chr19:50,286,491, G>A. VCF-style: chr19-50286491-G-A. GRCh37 (hg19) VCF-style: chr19-50789748-G-A.
Other names: c.4426G>A (NM_024729.3); c.4450G>A, p.Glu1484Lys (NM_001077186.2); c.4426G>A, p.Glu1476Lys (NM_024729.4); short protein forms E1476K, E1484K, E1517K.
Identifiers: ClinVar variation 1065099 (VCV001065099.6), dbSNP rs2123437042, ClinGen allele CA406958778.